The following is an entry in ClinVar:

ClinVar aggregate classification (germline): Uncertain significance (1 of 4 stars; one submission).

gnomAD v4.1: 4 of 1,449,616 alleles (0.00028%); highest among the groups gnomAD compares: Non-Finnish European, 0.00029%; no homozygotes.

Submission:

Labcorp Genetics (formerly Invitae), Labcorp
Classification: Uncertain significance. Last evaluated: 2025-04-11. Review status: criteria provided, single submitter. Criteria: Invitae Variant Classification Sherloc (09022015). Collection method: clinical testing. Allele origin: germline.
Comment: This sequence change affects codon 455 of the GUCY2C mRNA. It is a 'silent' change, meaning that it does not change the encoded amino acid sequence of the GUCY2C protein. It affects a nucleotide within the consensus splice site. This variant is not present in population databases (gnomAD no frequency). This variant has not been reported in the literature in individuals affected with GUCY2C-related conditions. Algorithms developed to predict the effect of sequence changes on RNA splicing suggest that this variant is not likely to affect RNA splicing. In summary, the available evidence is currently insufficient to determine the role of this variant in disease. Therefore, it has been classified as a Variant of Uncertain Significance.

NM_004963.4(GUCY2C):c.1365A>G (p.Arg455=)

Gene: GUCY2C (guanylate cyclase 2C; minus strand). Cytogenetic location: 12p12.3.
Variant type: single nucleotide variant.
Coding change: c.1365A>G on transcript NM_004963.4 (MANE Select); coding-DNA position 1365, A replaced by G.
Protein change: p.Arg455=; no amino-acid change (arginine 455 retained).
Molecular consequence: synonymous variant.
Genome position (GRCh38, 1-based): chr12:14,656,617, T>C on the plus strand (A>G on the coding strand, the complement: GUCY2C is on the minus strand). VCF-style: chr12-14656617-T-C. GRCh37 (hg19) VCF-style: chr12-14809551-T-C.
Identifiers: ClinVar variation 4811840 (VCV004811840.1).